The following is an entry in ClinVar:

ClinVar aggregate classification (germline): Pathogenic (1 of 4 stars; one submission).

Submission:

GeneDx
Classification: Pathogenic. Last evaluated: 2016-03-11. Review status: criteria provided, single submitter. Criteria: GeneDx Variant Classification (06012015). Collection method: clinical testing. Allele origin: germline. Affected: yes.
Comment: The c.6284dupT pathogenic variant in the MED13L gene has not been reported previously as a pathogenic variant nor as a benign variant, to our knowledge. The c.6284dupT variant causes a frameshift starting with codon Alanine 2096, changes this amino acid to a Glycine residue, and creates a premature Stop codon at position 12 of the new reading frame, denoted p.Ala2096GlyfsX12. This variant is predicted to cause loss of normal protein function either through protein truncation or nonsense-mediated mRNA decay. The c.6284dupT variant was not observed in approximately 6,500 individuals of European and African American ancestry in the NHLBI Exome Sequencing Project, indicating it is not a common benign variant in these populations. We interpret c.6284dupT as a pathogenic variant.

NM_015335.5(MED13L):c.6284dup (p.Ala2096fs)

Gene: MED13L (mediator complex subunit 13L; minus strand). Cytogenetic location: 12q24.21.
Variant type: Duplication.
Coding change: c.6284dup on transcript NM_015335.5 (MANE Select); coding-DNA position 6284, one base duplicated (T; older notation c.6284dupT).
Protein change: p.Ala2096fs; shifts the reading frame from alanine 2096.
Molecular consequence: frameshift variant.
Genome position (GRCh38, 1-based): chr12:115,966,185, A duplicated on the plus strand (T on the coding strand, the reverse complement: MED13L is on the minus strand). VCF-style (leftmost placement, unchanged base first): chr12-115966184-C-CA. GRCh37 (hg19) VCF-style: chr12-116403989-C-CA.
Other names: c.6284dupT (NM_015335.4); short protein forms A2096fs.
Identifiers: ClinVar variation 280413 (VCV000280413.2), dbSNP rs886041624, ClinGen allele CA10603182.